The following is an entry in ClinVar:

NM_002641.4(PIGA):c.-66A>T

Gene: PIGA (phosphatidylinositol glycan anchor biosynthesis class A; minus strand). Cytogenetic location: Xp22.2.
Variant type: single nucleotide variant.
Coding change: c.-66A>T on transcript NM_002641.4 (MANE Select); 66 bases upstream of the start codon, A replaced by T.
Molecular consequence: 5 prime UTR variant. On other transcripts: missense variant (2), non-coding transcript variant (4).
Genome position (GRCh38, 1-based): chrX:15,335,504, T>A on the plus strand (A>T on the coding strand, the complement: PIGA is on the minus strand). VCF-style: chrX-15335504-T-A. GRCh37 (hg19) VCF-style: chrX-15353626-T-A.
Other names: c.-66A>T (NM_001440789.1); c.10A>T, p.Thr4Ser (NM_001440790.1, NM_020473.3); short protein forms T4S.
Identifiers: ClinVar variation 4848339 (VCV004848339.1).

ClinVar aggregate classification (germline): Uncertain significance (1 of 4 stars; one submission).

Submission:

Women's Health and Genetics/Laboratory Corporation of America, LabCorp
Classification: Uncertain significance. Last evaluated: 2026-04-21. Review status: criteria provided, single submitter. Criteria: LabCorp Variant Classification Summary - May 2015. Collection method: clinical testing. Allele origin: germline.
Comment: Variant summary: PIGA c.-66A>T is located in the untranslated mRNA region upstream of the initiation codon. The variant was absent in 28902 control chromosomes. The available data on variant occurrences in the general population are insufficient to allow any conclusion about variant significance. To our knowledge, no occurrence of c.-66A>T in individuals affected with PIGA-related conditions and no experimental evidence demonstrating its impact on protein function have been reported. No submitters have cited clinical-significance assessments for this variant to ClinVar. Based on the evidence outlined above, the variant was classified as uncertain significance.